The following is an entry in ClinVar:

NM_001384140.1(PCDH15):c.3717C>A (p.Leu1239=)

Gene: PCDH15 (protocadherin related 15; minus strand). Cytogenetic location: 10q21.1.
Variant type: single nucleotide variant.
Coding change: c.3717C>A on transcript NM_001384140.1 (MANE Select); coding-DNA position 3717, C replaced by A.
Protein change: p.Leu1239=; no amino-acid change (leucine 1239 retained).
Molecular consequence: synonymous variant.
Genome position (GRCh38, 1-based): chr10:53,866,642, G>T on the plus strand (C>A on the coding strand, the complement: PCDH15 is on the minus strand). VCF-style: chr10-53866642-G-T. GRCh37 (hg19) VCF-style: chr10-55626402-G-T.
Other names: c.3732C>A, p.Leu1244= (NM_001142763.2, NM_001142771.2); c.3717C>A, p.Leu1239= (NM_001142764.2, NM_001142766.2, NM_001142770.3 and 4 more transcripts); c.3504C>A, p.Leu1168= (NM_001142765.2); c.3606C>A, p.Leu1202= (NM_001142767.2); c.3651C>A, p.Leu1217= (NM_001142768.2, NM_001142773.2, NM_001354404.2); c.3753C>A, p.Leu1251= (NM_001142769.4); c.3738C>A, p.Leu1246= (NM_001354411.2).
Identifiers: ClinVar variation 1494277 (VCV001494277.5), dbSNP rs756769326, ClinGen allele CA207187586.

ClinVar aggregate classification (germline): Uncertain significance (1 of 4 stars; one submission).

gnomAD v4.1: 2 of 1,612,380 alleles (0.00012%); highest among the groups gnomAD compares: African/African-American, 0.0013%; no homozygotes.

Submission:

Labcorp Genetics (formerly Invitae), Labcorp
Classification: Uncertain significance. Last evaluated: 2022-10-13. Review status: criteria provided, single submitter. Criteria: Invitae Variant Classification Sherloc (09022015). Collection method: clinical testing. Allele origin: germline.
Comment: This sequence change affects codon 1239 of the PCDH15 mRNA. It is a 'silent' change, meaning that it does not change the encoded amino acid sequence of the PCDH15 protein. It affects a nucleotide within the consensus splice site. This variant is not present in population databases (gnomAD no frequency). This variant has not been reported in the literature in individuals affected with PCDH15-related conditions. ClinVar contains an entry for this variant (Variation ID: 1494277). Algorithms developed to predict the effect of sequence changes on RNA splicing suggest that this variant is not likely to affect RNA splicing. In summary, the available evidence is currently insufficient to determine the role of this variant in disease. Therefore, it has been classified as a Variant of Uncertain Significance.